The following is an entry in ClinVar:

NM_004706.4(ARHGEF1):c.588del (p.Leu197fs)

Gene: ARHGEF1 (Rho guanine nucleotide exchange factor 1; plus strand). Cytogenetic location: 19q13.2.
Variant type: Deletion.
Coding change: c.588del on transcript NM_004706.4 (MANE Select); coding-DNA position 588, one base deleted (G; older notation c.588delG).
Protein change: p.Leu197fs; shifts the reading frame from leucine 197.
Molecular consequence: frameshift variant. On other transcripts: non-coding transcript variant (2).
Genome position (GRCh38, 1-based): chr19:41,892,823, G deleted; the last of 2 consecutive G bases (chr19:41,892,822-41,892,823); deleting either gives the same sequence. VCF-style (leftmost placement, unchanged base first): chr19-41892821-CG-C. GRCh37 (hg19) VCF-style: chr19-42396892-CG-C.
Other names: c.588del, p.Leu197fs (NM_001396000.1, NM_001396003.1, NM_001396006.1); c.489del, p.Leu164fs (NM_001396002.1, NM_001396004.1, NM_198977.2); c.633del, p.Leu212fs (NM_199002.2); short protein forms L164fs, L197fs, L212fs.
Identifiers: ClinVar variation 3637907 (VCV003637907.2).
Genomic context (GRCh38, chr19:41,892,821, plus strand): 5'-GAGGCTTGGGTTGGGCGGGACCGAGCCAGCTACGAGGCCCGGGAGCGGCACGTGGCGGAG[CG>C]GCTGCTCATGCACCTGGAGGAGATGCAGTGAGTAGGCCAGCCCTGGTGGGAGCGTCGCCC-3'

ClinVar aggregate classification (germline): Uncertain significance (1 of 4 stars; one submission).

Submission:

Labcorp Genetics (formerly Invitae), Labcorp
Classification: Uncertain significance. Last evaluated: 2024-01-31. Review status: criteria provided, single submitter. Criteria: Invitae Variant Classification Sherloc (09022015). Collection method: clinical testing. Allele origin: germline.
Comment: This sequence change creates a premature translational stop signal (p.Leu212Cysfs*53) in the ARHGEF1 gene. It is expected to result in an absent or disrupted protein product. However, the current clinical and genetic evidence is not sufficient to establish whether loss-of-function variants in ARHGEF1 cause disease. This variant is not present in population databases (gnomAD no frequency). This variant has not been reported in the literature in individuals affected with ARHGEF1-related conditions. In summary, the available evidence is currently insufficient to determine the role of this variant in disease. Therefore, it has been classified as a Variant of Uncertain Significance.